The following is an entry in ClinVar:

ClinVar aggregate classification (germline): Conflicting classifications of pathogenicity. Review status: criteria provided, conflicting classifications (1 of 4 stars). 4 submissions from 4 submitters: Uncertain significance (1); Likely benign (2). 1 of the submissions does not count toward it. Last evaluated 2024-11-20.

Conditions:
IGFALS-related disorder. Also called: IGFALS-related condition.
Short stature due to primary acid-labile subunit deficiency. Also called: Acid-labile subunit, deficiency of; Acid-labile subunit deficiency. Identifiers: Orphanet 140941, MedGen C3900122, MONDO:0014420, OMIM 615961.

Allele frequency attached by ClinVar (database versions not stated): 1000 Genomes Project 30x 0.00031; 1000 Genomes Project 0.00040; gnomAD exomes 0.00057; gnomAD 0.00066; ESP Exome Variant Server 0.00077; ExAC 0.00080; TOPMed 0.00098.
gnomAD v4.1: 669 of 1,606,462 alleles (0.042%); highest among the groups gnomAD compares: South Asian, 0.13%; no homozygotes.

Submissions (4):

Blueprint Genetics
Classification: Likely benign. Last evaluated: 2024-11-20. Review status: criteria provided, single submitter. Criteria: ACMG Guidelines, 2015. Collection method: clinical testing. Allele origin: germline.

Labcorp Genetics (formerly Invitae), Labcorp
Classification: Likely benign. Last evaluated: 2019-12-31. Review status: criteria provided, single submitter. Criteria: Invitae Variant Classification Sherloc (09022015). Collection method: clinical testing. Allele origin: germline.

Illumina Laboratory Services, Illumina
Classification: Uncertain significance for Short stature due to primary acid-labile subunit deficiency. Last evaluated: 2018-01-13. Review status: criteria provided, single submitter. Criteria: ICSL Variant Classification Criteria 13 December 2019. Collection method: clinical testing. Allele origin: germline.

PreventionGenetics, part of Exact Sciences
Classification: Likely benign for IGFALS-related condition. Last evaluated: 2019-05-07. Review status: no assertion criteria provided. Collection method: clinical testing. Allele origin: germline. Not counted in ClinVar's aggregate classification.
Comment: This variant is classified as likely benign based on ACMG/AMP sequence variant interpretation guidelines (Richards et al. 2015 PMID: 25741868, with internal and published modifications).

NM_004970.3(IGFALS):c.1266C>T (p.Leu422=)

Gene: IGFALS (insulin like growth factor binding protein acid labile subunit; minus strand). Cytogenetic location: 16p13.3.
Variant type: single nucleotide variant.
Coding change: c.1266C>T on transcript NM_004970.3 (MANE Select); coding-DNA position 1266, C replaced by T.
Protein change: p.Leu422=; no amino-acid change (leucine 422 retained).
Molecular consequence: synonymous variant. On other transcripts: non-coding transcript variant (1).
Genome position (GRCh38, 1-based): chr16:1,791,152, G>A on the plus strand (C>T on the coding strand, the complement: IGFALS is on the minus strand). VCF-style: chr16-1791152-G-A. GRCh37 (hg19) VCF-style: chr16-1841153-G-A.
Other names: c.1380C>T, p.Leu460= (NM_001146006.2).
Identifiers: ClinVar variation 318242 (VCV000318242.12), dbSNP rs36068954, ClinGen allele CA7820349.